The following is an entry in ClinVar:

NC_000015.9:g.(?_93521444)_(93522533_?)del

Gene: CHD2 (chromodomain helicase DNA binding protein 2; plus strand). Cytogenetic location: 15q26.1.
Variant type: Deletion.
Identifiers: ClinVar variation 1410006 (VCV001410006.8).

ClinVar aggregate classification (germline): Pathogenic (1 of 4 stars; one submission).

Conditions:
Developmental and epileptic encephalopathy 94 (DEE94). Also called: Epileptic encephalopathy, childhood-onset; CHD2-Related Neurodevelopmental Disorders. Identifiers: Orphanet 1942, Orphanet 2382, MedGen C3809278, MONDO:0014150, OMIM 615369.

Submission:

Labcorp Genetics (formerly Invitae), Labcorp
Classification: Pathogenic for Developmental and epileptic encephalopathy 94. Last evaluated: 2021-06-06. Review status: criteria provided, single submitter. Criteria: Invitae Variant Classification Sherloc (09022015). Collection method: clinical testing. Allele origin: germline.
Comment: For these reasons, this variant has been classified as Pathogenic. This variant has not been reported in the literature in individuals with CHD2-related conditions. This variant is a gross deletion of the genomic region encompassing exon(s) 21-22 of the CHD2 gene. This deletion is out-of-frame, and is expected to create a premature translational stop signal and result in an absent or disrupted protein product. Loss-of-function variants in CHD2 are known to be pathogenic (PMID: 23708187, 24207121).

Literature cited by the submitters: PubMed 23708187; PubMed 24207121.